The following is an entry in ClinVar:

ClinVar aggregate classification (germline): Conflicting classifications of pathogenicity. Review status: criteria provided, conflicting classifications (1 of 4 stars). 2 submissions from 2 submitters: Likely pathogenic (1); Uncertain significance (1). Last evaluated 2026-01-12.

Conditions:
Blepharocheilodontic syndrome 1 (BCDS1). Identifiers: Orphanet 1997, MedGen C4551988, MONDO:0054740, OMIM 119580.
Hereditary diffuse gastric adenocarcinoma (HDGC). Also called: DIFFUSE GASTRIC AND LOBULAR BREAST CANCER SYNDROME. Identifiers: Orphanet 26106, MedGen C1708349, MONDO:0007648, OMIM 137215.

Submissions (2):

University of Washington Department of Laboratory Medicine, University of Washington
Classification: Likely pathogenic for Hereditary diffuse gastric adenocarcinoma. Last evaluated: 2026-01-12. Review status: criteria provided, single submitter. Criteria: Shirts BH et al. (Am J Hum Genet 2018). Collection method: clinical testing. Allele origin: germline. Affected: yes.
Comment: We classify the CDH1 c.662A>G (p.Asp221Gly) variant as likely pathogenic based on internal evidence. Tumor testing demonstrated a second somatic CDH1 hit, consistent with biallelic inactivation and supporting a “two-hit” model of tumorigenesis for CDH1-associated cancer predisposition (PS3_supporting). The use of tumor molecular features and somatic evidence to inform germline variant classification has been described in the literature (Shirts et al., 2018. Genet Med. PMID: 29887214). The affected amino acid residue is located in the extracellular cadherin domain of E-cadherin, a region critical for protein function, and in silico prediction tools suggest the p.Asp221Gly substitution is deleterious, supporting PP3. The variant is absent or extremely rare in large population databases, including gnomAD (v4.0.0), meeting PM2_supporting. The combination of germline detection, tumor evidence of a second CDH1 hit consistent with loss of function, recurrence in HDGC-associated tumor types (gastric cancer and lobular breast cancer), absence from population databases, and computational evidence collectively support a likely pathogenic classification for this variant.

MVZ Martinsried, Medicover Genetics
Classification: Uncertain significance for Blepharocheilodontic syndrome 1. Last evaluated: 2025-03-18. Review status: criteria provided, single submitter. Criteria: ACGS Guidelines, 2020. Collection method: clinical testing. Allele origin: inherited. Affected: yes. Observed: 2 heterozygotes.

NM_004360.5(CDH1):c.662A>G (p.Asp221Gly)

Gene: CDH1 (cadherin 1; plus strand). Cytogenetic location: 16q22.1.
Variant type: single nucleotide variant.
Coding change: c.662A>G on transcript NM_004360.5 (MANE Select); coding-DNA position 662, A replaced by G.
Protein change: p.Asp221Gly; replaces aspartic acid 221 with glycine.
Molecular consequence: missense variant. On other transcripts: 5 prime UTR variant (2).
Genome position (GRCh38, 1-based): chr16:68,808,823, A>G. VCF-style: chr16-68808823-A-G. GRCh37 (hg19) VCF-style: chr16-68842726-A-G.
Other names: c.662A>G, p.Asp221Gly (NM_001317184.2); c.-954A>G (NM_001317185.2); c.-1158A>G (NM_001317186.2); short protein forms D221G.
Identifiers: ClinVar variation 3777738 (VCV003777738.2).